The following is an entry in ClinVar:

NM_001387690.1(KATNAL2):c.1261G>A (p.Asp421Asn)

Gene: KATNAL2 (katanin catalytic subunit A1 like 2; plus strand). Cytogenetic location: 18q21.1.
Variant type: single nucleotide variant.
Coding change: c.1261G>A on transcript NM_001387690.1 (MANE Select); coding-DNA position 1261, G replaced by A.
Protein change: p.Asp421Asn; replaces aspartic acid 421 with asparagine.
Molecular consequence: missense variant. On other transcripts: non-coding transcript variant (1).
Genome position (GRCh38, 1-based): chr18:47,099,292, G>A. VCF-style: chr18-47099292-G-A. GRCh37 (hg19) VCF-style: chr18-44625663-G-A.
Other names: c.1339G>A, p.Asp447Asn (NM_001353899.1); c.1336G>A, p.Asp446Asn (NM_001353900.1); c.928G>A, p.Asp310Asn (NM_001353903.1); c.829G>A, p.Asp277Asn (NM_001353904.1); c.1261G>A, p.Asp421Asn (NM_001367621.1); c.1045G>A, p.Asp349Asn (NM_031303.3); short protein forms D277N, D421N, D310N, D349N, D446N, D447N.
Identifiers: ClinVar variation 1775293 (VCV001775293.2), dbSNP rs566388347, ClinGen allele CA8955296.

ClinVar aggregate classification (germline): Uncertain significance (1 of 4 stars; one submission).

Allele frequency attached by ClinVar (database versions not stated): TOPMed 0.00001; gnomAD 0.00003; gnomAD exomes 0.00003; ExAC 0.00013; 1000 Genomes Project 30x 0.00016; 1000 Genomes Project 0.00020.

Submission:

Ambry Genetics
Classification: Uncertain significance. Last evaluated: 2018-03-12. Review status: criteria provided, single submitter. Criteria: Ambry Variant Classification Scheme 2023. Collection method: clinical testing. Allele origin: germline.
Comment: The p.D349N variant (also known as c.1045G>A), located in coding exon 12 of the KATNAL2 gene, results from a G to A substitution at nucleotide position 1045. The aspartic acid at codon 349 is replaced by asparagine, an amino acid with highly similar properties. This amino acid position is not well conserved in available vertebrate species. In addition, this alteration is predicted to be tolerated by in silico analysis. Since supporting evidence is limited at this time, the clinical significance of this alteration remains unclear.